The following is an entry in ClinVar:

ClinVar aggregate classification (germline): Uncertain significance (1 of 4 stars; one submission).

Allele frequency attached by ClinVar (database versions not stated): gnomAD exomes below 0.00001.
gnomAD v4.1: 1 of 1,607,544 alleles (0.000062%); highest among the groups gnomAD compares: South Asian, 0.0011%; no homozygotes.

Submission:

Labcorp Genetics (formerly Invitae), Labcorp
Classification: Uncertain significance. Last evaluated: 2023-09-24. Review status: criteria provided, single submitter. Criteria: Invitae Variant Classification Sherloc (09022015). Collection method: clinical testing. Allele origin: germline.
Comment: This sequence change replaces serine, which is neutral and polar, with proline, which is neutral and non-polar, at codon 360 of the CD55 protein (p.Ser360Pro). This variant is not present in population databases (gnomAD no frequency). This variant has not been reported in the literature in individuals affected with CD55-related conditions. An algorithm developed to predict the effect of missense changes on protein structure and function (PolyPhen-2) suggests that this variant is likely to be tolerated. In summary, the available evidence is currently insufficient to determine the role of this variant in disease. Therefore, it has been classified as a Variant of Uncertain Significance.

NM_000574.5(CD55):c.1078T>C (p.Ser360Pro)

Gene: CD55 (CD55 molecule (Cromer blood group); plus strand). Cytogenetic location: 1q32.2.
Variant type: single nucleotide variant.
Coding change: c.1078T>C on transcript NM_000574.5 (MANE Select); coding-DNA position 1078, T replaced by C.
Protein change: p.Ser360Pro; replaces serine 360 with proline.
Molecular consequence: missense variant. On other transcripts: non-coding transcript variant (1).
Genome position (GRCh38, 1-based): chr1:207,339,414, T>C. VCF-style: chr1-207339414-T-C. GRCh37 (hg19) VCF-style: chr1-207512759-T-C.
Other names: c.1078T>C, p.Ser360Pro (NM_001114752.3, NM_001300902.2, NM_001300903.2 and 1 more transcripts); short protein forms S360P.
Identifiers: ClinVar variation 2848217 (VCV002848217.3), dbSNP rs2526997720, ClinGen allele CA344523109.